The following is an entry in ClinVar:

NM_022089.4(ATP13A2):c.1876C>T (p.His626Tyr)

Gene: ATP13A2 (ATPase cation transporting 13A2; minus strand). Cytogenetic location: 1p36.13.
Variant type: single nucleotide variant.
Coding change: c.1876C>T on transcript NM_022089.4 (MANE Select); coding-DNA position 1876, C replaced by T.
Protein change: p.His626Tyr; replaces histidine 626 with tyrosine.
Molecular consequence: missense variant.
Genome position (GRCh38, 1-based): chr1:16,992,372, G>A on the plus strand (C>T on the coding strand, the complement: ATP13A2 is on the minus strand). VCF-style: chr1-16992372-G-A. GRCh37 (hg19) VCF-style: chr1-17318867-G-A.
Other names: c.1861C>T, p.His621Tyr (NM_001141973.3, NM_001141974.3); short protein forms H626Y, H621Y.
Identifiers: ClinVar variation 647413 (VCV000647413.4), dbSNP rs778267471, ClinGen allele CA637045.

ClinVar aggregate classification (germline): Uncertain significance. Review status: criteria provided, multiple submitters, no conflicts (2 of 4 stars). 2 submissions from 2 submitters: Uncertain significance (2). Last evaluated 2022-02-24.

Conditions:
Kufor-Rakeb syndrome (KRS). Also called: PARKINSON DISEASE 9, AUTOSOMAL RECESSIVE, JUVENILE-ONSET. Identifiers: Orphanet 306674, Orphanet 314632, MedGen C1847640, MONDO:0011706, OMIM 606693.
Autosomal recessive spastic paraplegia type 78. Identifiers: Orphanet 513436, MedGen C5567893, MONDO:0014975, OMIM 617225.

Allele frequency attached by ClinVar (database versions not stated): ExAC 0.00001; gnomAD 0.00001; gnomAD exomes 0.00001; TOPMed 0.00001.
gnomAD v4.1: 23 of 1,613,474 alleles (0.0014%); highest among the groups gnomAD compares: Non-Finnish European, 0.0018%; no homozygotes.

Submissions (2):

Labcorp Genetics (formerly Invitae), Labcorp
Classification: Uncertain significance for Kufor-Rakeb syndrome; Autosomal recessive spastic paraplegia type 78. Last evaluated: 2022-02-24. Review status: criteria provided, single submitter. Criteria: Invitae Variant Classification Sherloc (09022015). Collection method: clinical testing. Allele origin: germline.
Comment: This sequence change replaces histidine, which is basic and polar, with tyrosine, which is neutral and polar, at codon 626 of the ATP13A2 protein (p.His626Tyr). This variant is present in population databases (rs778267471, gnomAD 0.0009%). This variant has not been reported in the literature in individuals affected with ATP13A2-related conditions. ClinVar contains an entry for this variant (Variation ID: 647413). Advanced modeling of protein sequence and biophysical properties (such as structural, functional, and spatial information, amino acid conservation, physicochemical variation, residue mobility, and thermodynamic stability) performed at Invitae indicates that this missense variant is not expected to disrupt ATP13A2 protein function. In summary, the available evidence is currently insufficient to determine the role of this variant in disease. Therefore, it has been classified as a Variant of Uncertain Significance.

GeneDx
Classification: Uncertain significance. Last evaluated: 2019-11-07. Review status: criteria provided, single submitter. Criteria: GeneDx Variant Classification Process June 2021. Collection method: clinical testing. Allele origin: germline. Affected: yes.
Comment: Not observed at a significant frequency in large population cohorts (Lek et al., 2016); In silico analysis, which includes protein predictors and evolutionary conservation, supports that this variant does not alter protein structure/function; Has not been previously published as pathogenic or benign to our knowledge